The following is an entry in ClinVar:

NM_017636.4(TRPM4):c.785C>A (p.Thr262Lys)

Gene: TRPM4 (transient receptor potential cation channel subfamily M member 4; plus strand). Cytogenetic location: 19q13.33.
Variant type: single nucleotide variant.
Coding change: c.785C>A on transcript NM_017636.4 (MANE Select); coding-DNA position 785, C replaced by A.
Protein change: p.Thr262Lys; replaces threonine 262 with lysine.
Molecular consequence: missense variant. On other transcripts: 5 prime UTR variant (2).
Genome position (GRCh38, 1-based): chr19:49,168,725, C>A. VCF-style: chr19-49168725-C-A. GRCh37 (hg19) VCF-style: chr19-49671982-C-A.
Other names: c.785C>A, p.Thr262Lys (NM_001195227.2); c.440C>A, p.Thr147Lys (NM_001321281.2); c.-769C>A (NM_001321282.2); c.263C>A, p.Thr88Lys (NM_001321283.2); c.-65C>A (NM_001321285.2); short protein forms T262K, T88K, T147K.
Identifiers: ClinVar variation 3572736 (VCV003572736.1).

ClinVar aggregate classification (germline): Uncertain significance (1 of 4 stars; one submission).

Submission:

GeneDx
Classification: Uncertain significance. Last evaluated: 2024-07-11. Review status: criteria provided, single submitter. Criteria: GeneDx Variant Classification Process June 2021. Collection method: clinical testing. Allele origin: germline. Affected: yes.
Comment: Has not been previously published as pathogenic or benign to our knowledge; Not observed at significant frequency in large population cohorts (gnomAD); In silico analysis indicates that this missense variant does not alter protein structure/function